The following is an entry in ClinVar:

NM_000552.5(VWF):c.1147G>T (p.Glu383Ter)

Gene: VWF (von Willebrand factor; minus strand). Cytogenetic location: 12p13.31.
Variant type: single nucleotide variant.
Coding change: c.1147G>T on transcript NM_000552.5 (MANE Select); coding-DNA position 1147, G replaced by T.
Protein change: p.Glu383Ter; replaces glutamic acid 383 with a stop codon.
Molecular consequence: nonsense.
Genome position (GRCh38, 1-based): chr12:6,071,306, C>A on the plus strand (G>T on the coding strand, the complement: VWF is on the minus strand). VCF-style: chr12-6071306-C-A. GRCh37 (hg19) VCF-style: chr12-6180472-C-A.
Other names: p.Glu383*; c.1147G>T (NM_000552.3); short protein forms E383*.
Identifiers: ClinVar variation 3332526 (VCV003332526.4), dbSNP rs1227349336.

ClinVar aggregate classification (germline): Pathogenic. Review status: criteria provided, multiple submitters, no conflicts (2 of 4 stars). 3 submissions from 3 submitters: Pathogenic (3). Last evaluated 2025-05-25.

Conditions:
Inborn genetic diseases. Identifiers: MedGen C0950123, MeSH D030342.
von Willebrand disorder (VWD). Also called: von Willebrand Diseases; Von Willebrand disease (hereditary or acquired); von Willebrand's disease. Identifiers: MedGen C0042974, MeSH D014842, MONDO:0024574.

gnomAD v4.1: 5 of 1,614,050 alleles (0.00031%); highest among the groups gnomAD compares: Non-Finnish European, 0.00042%; no homozygotes.

Submissions (3):

Women's Health and Genetics/Laboratory Corporation of America, LabCorp
Classification: Pathogenic for von Willebrand disorder. Last evaluated: 2025-05-25. Review status: criteria provided, single submitter. Criteria: LabCorp Variant Classification Summary - May 2015. Collection method: clinical testing. Allele origin: germline.
Comment: Variant summary: VWF c.1147G>T (p.Glu383X) results in a premature termination codon, predicted to cause a truncation of the encoded protein or absence of the protein due to nonsense mediated decay, which are commonly known mechanisms for disease. The variant was absent in 251104 control chromosomes. c.1147G>T has been observed in individual(s) affected with heavy menstrual bleeding (HMB) (Sadler_2022). The following publication has been ascertained in the context of this evaluation (PMID: 33556167). ClinVar contains an entry for this variant (Variation ID: 3332526). Based on the evidence outlined above, the variant was classified as pathogenic.

Mayo Clinic Laboratories, Mayo Clinic
Classification: Pathogenic. Last evaluated: 2024-08-29. Review status: criteria provided, single submitter. Criteria: ACMG Guidelines, 2015. Collection method: clinical testing. Allele origin: germline. Observed: 2 variant alleles.
Comment: PM2_supporting, PM3, PS4_moderate, PVS1

Ambry Genetics
Classification: Pathogenic for Inborn genetic diseases. Last evaluated: 2024-05-08. Review status: criteria provided, single submitter. Criteria: Ambry Variant Classification Scheme 2023. Collection method: clinical testing. Allele origin: germline.
Comment: The c.1147G>T (p.E383*) alteration, located in exon 10 (coding exon 9) of the VWF gene, consists of a G to T substitution at nucleotide position 1147. This changes the amino acid from a glutamic acid (E) to a stop codon at amino acid position 383. This alteration is expected to result in loss of function by premature protein truncation or nonsense-mediated mRNA decay. for Von Willebrand disease; however, its clinical significance for Von Willebrand disease type 2B is uncertain since loss-of-function has not been established as a mechanism of disease. Based on data from gnomAD, the T allele has an overall frequency of 0.003% (1/31410) total alleles studied. The highest observed frequency was 0.007% (1/15430) of European (non-Finnish) alleles. This variant has been identified in the homozygous state and in conjunction with other VWF variants in individuals with features consistent with Von Willebrand disease (Mannucci, 2013). Based on the available evidence, this alteration is classified as pathogenic.

Literature cited by the submitters: PubMed 33556167 (cited by Women's Health and Genetics/Laboratory Corporation of America, LabCorp); PubMed 23777763 (cited by Mayo Clinic Laboratories, Mayo Clinic and Ambry Genetics); PubMed 34807970 (cited by Mayo Clinic Laboratories, Mayo Clinic).